The following is an entry in ClinVar:

NM_025179.4(PLXNA2):c.4806C>G (p.Thr1602=)

Gene: PLXNA2 (plexin A2; minus strand). Cytogenetic location: 1q32.2.
Variant type: single nucleotide variant.
Coding change: c.4806C>G on transcript NM_025179.4 (MANE Select); coding-DNA position 4806, C replaced by G.
Protein change: p.Thr1602=; no amino-acid change (threonine 1602 retained).
Molecular consequence: synonymous variant.
Genome position (GRCh38, 1-based): chr1:208,034,551, G>C on the plus strand (C>G on the coding strand, the complement: PLXNA2 is on the minus strand). VCF-style: chr1-208034551-G-C. GRCh37 (hg19) VCF-style: chr1-208207896-G-C.
Identifiers: ClinVar variation 4990490 (VCV004990490.1).

ClinVar aggregate classification (germline): Likely benign (1 of 4 stars; one submission).

Conditions:
PLXNA2-related disorder. Also called: PLXNA2-related condition.

gnomAD v4.1: 6 of 1,614,032 alleles (0.00037%); highest among the groups gnomAD compares: Non-Finnish European, 0.00051%; no homozygotes.

Submission:

PreventionGenetics, part of Exact Sciences
Classification: Likely benign for PLXNA2-related condition. Last evaluated: 2024-10-06. Review status: criteria provided, single submitter. Criteria: ACMG Guidelines, 2015. Collection method: clinical testing. Allele origin: germline.
Comment: This variant is classified as likely benign based on ACMG/AMP sequence variant interpretation guidelines (Richards et al. 2015 PMID: 25741868, with internal and published modifications).